The following is an entry in ClinVar:

NC_000002.11:g.(?_26423998)_(26424209_?)del

Gene: HADHA (hydroxyacyl-CoA dehydrogenase trifunctional multienzyme complex subunit alpha; minus strand). Cytogenetic location: 2p23.3.
Variant type: Deletion.
Identifiers: ClinVar variation 3247341 (VCV003247341.1).

ClinVar aggregate classification (germline): Pathogenic (1 of 4 stars; one submission).

Conditions:
Long chain 3-hydroxyacyl-CoA dehydrogenase deficiency. Also called: LCHAD Deficiency; Deficiency of long-chain 3-hydroxyacyl-coenzyme A dehydrogenase. Identifiers: Orphanet 5, MedGen C3711645, MONDO:0012173, OMIM 609016.
Mitochondrial trifunctional protein deficiency. Identifiers: Orphanet 746, MedGen C1969443, MONDO:0012172.

Submission:

Labcorp Genetics (formerly Invitae), Labcorp
Classification: Pathogenic for Mitochondrial trifunctional protein deficiency; Long chain 3-hydroxyacyl-CoA dehydrogenase deficiency. Last evaluated: 2023-12-20. Review status: criteria provided, single submitter. Criteria: Invitae Variant Classification Sherloc (09022015). Collection method: clinical testing. Allele origin: unknown.
Comment: This variant is a gross deletion of the genomic region encompassing exon(s) 13 of the HADHA gene. This deletion is out-of-frame, and is expected to create a premature termination codon and result in an absent or disrupted protein product. Loss-of-function variants in HADHA are known to be pathogenic (PMID: 7738175, 21103935, 21549624, 22459206). This variant has not been reported in the literature in individuals affected with HADHA-related conditions. For these reasons, this variant has been classified as Pathogenic.

Literature cited by the submitters: PubMed 7738175; PubMed 21103935; PubMed 21549624; PubMed 22459206.